The following is an entry in ClinVar:

ClinVar aggregate classification (germline): Uncertain significance. Review status: criteria provided, multiple submitters, no conflicts (2 of 4 stars). 2 submissions from 2 submitters: Uncertain significance (2). Last evaluated 2025-01-06.

Conditions:
Acromesomelic dysplasia 1, Maroteaux type (AMD1). Also called: ACROMESOMELIC DYSPLASIA 1; ST. HELENA DYSPLASIA. Identifiers: Orphanet 40, MedGen C1864356, MONDO:0011275, OMIM 602875.
Tall stature-scoliosis-macrodactyly of the great toes syndrome. Also called: Epiphyseal chondrodysplasia, miura type. Identifiers: Orphanet 329191, MedGen C4014690, MONDO:0014401, OMIM 615923.

Allele frequency attached by ClinVar (database versions not stated): gnomAD exomes below 0.00001; TOPMed below 0.00001.

Submissions (2):

GeneDx
Classification: Uncertain significance. Last evaluated: 2025-01-06. Review status: criteria provided, single submitter. Criteria: GeneDx Variant Classification Process June 2021. Collection method: clinical testing. Allele origin: germline. Affected: yes.
Comment: Not observed at significant frequency in large population cohorts (gnomAD); In silico analysis supports that this missense variant has a deleterious effect on protein structure/function; Has not been previously published as pathogenic or benign to our knowledge

Labcorp Genetics (formerly Invitae), Labcorp
Classification: Uncertain significance for Tall stature-scoliosis-macrodactyly of the great toes syndrome; Acromesomelic dysplasia 1, Maroteaux type. Last evaluated: 2020-07-08. Review status: criteria provided, single submitter. Criteria: Invitae Variant Classification Sherloc (09022015). Collection method: clinical testing. Allele origin: germline.
Comment: In summary, the available evidence is currently insufficient to determine the role of this variant in disease. Therefore, it has been classified as a Variant of Uncertain Significance. Algorithms developed to predict the effect of missense changes on protein structure and function (SIFT, PolyPhen-2, Align-GVGD) all suggest that this variant is likely to be disruptive, but these predictions have not been confirmed by published functional studies and their clinical significance is uncertain. This variant has not been reported in the literature in individuals with NPR2-related conditions. This variant is not present in population databases (ExAC no frequency). This sequence change replaces serine with glycine at codon 877 of the NPR2 protein (p.Ser877Gly). The serine residue is highly conserved and there is a small physicochemical difference between serine and glycine.

NM_003995.4(NPR2):c.2629A>G (p.Ser877Gly)

Gene: NPR2 (natriuretic peptide receptor 2; plus strand). Cytogenetic location: 9p13.3.
Variant type: single nucleotide variant.
Coding change: c.2629A>G on transcript NM_003995.4 (MANE Select); coding-DNA position 2629, A replaced by G.
Protein change: p.Ser877Gly; replaces serine 877 with glycine.
Molecular consequence: missense variant.
Genome position (GRCh38, 1-based): chr9:35,807,132, A>G. VCF-style: chr9-35807132-A-G. GRCh37 (hg19) VCF-style: chr9-35807129-A-G.
Other names: c.2629A>G (NM_003995.3); c.2638A>G, p.Ser880Gly (NM_001378923.1); short protein forms S877G, S880G.
Identifiers: ClinVar variation 999753 (VCV000999753.10), dbSNP rs1012739989, ClinGen allele CA192771674.